The following is an entry in ClinVar:

ClinVar aggregate classification (germline): Benign. Review status: criteria provided, single submitter (1 of 4 stars). 3 submissions from 3 submitters: Benign (1). 2 of the submissions do not count toward it. Last evaluated 2026-02-02.

Conditions:
PKHD1-related disorder. Also called: PKHD1-related condition.
Autosomal recessive polycystic kidney disease (ARPKD). Also called: AR polycystic kidney disease. Identifiers: Orphanet 731, Orphanet 8378, MedGen C0085548, MeSH D017044, MONDO:0009889.

Allele frequency attached by ClinVar (database versions not stated): gnomAD 0.00012 and 0.00023; TOPMed 0.00013; 1000 Genomes Project 0.00020; gnomAD exomes 0.00025 and 0.00038; ExAC 0.00035; 1000 Genomes Project 30x 0.00047.
gnomAD v4.1: 416 of 1,613,624 alleles (0.026%); highest among the groups gnomAD compares: South Asian, 0.32%; 4 homozygotes.

Submissions (3):

Labcorp Genetics (formerly Invitae), Labcorp
Classification: Benign for Autosomal recessive polycystic kidney disease. Last evaluated: 2026-02-02. Review status: criteria provided, single submitter. Criteria: Invitae Variant Classification Sherloc (09022015). Collection method: clinical testing. Allele origin: germline.

PreventionGenetics, part of Exact Sciences
Classification: Likely benign for PKHD1-related condition. Last evaluated: 2024-05-15. Review status: no assertion criteria provided. Collection method: clinical testing. Allele origin: germline. Not counted in ClinVar's aggregate classification.
Comment: This variant is classified as likely benign based on ACMG/AMP sequence variant interpretation guidelines (Richards et al. 2015 PMID: 25741868, with internal and published modifications).

Natera, Inc.
Classification: Likely benign for Autosomal recessive polycystic kidney disease. Last evaluated: 2020-04-30. Review status: no assertion criteria provided. Collection method: clinical testing. Allele origin: germline. Not counted in ClinVar's aggregate classification.

NM_138694.4(PKHD1):c.3090G>A (p.Ala1030=)

Gene: PKHD1 (PKHD1 ciliary IPT domain containing fibrocystin/polyductin; minus strand). Cytogenetic location: 6p12.2.
Variant type: single nucleotide variant.
Coding change: c.3090G>A on transcript NM_138694.4 (MANE Select); coding-DNA position 3090, G replaced by A.
Protein change: p.Ala1030=; no amino-acid change (alanine 1030 retained).
Molecular consequence: synonymous variant.
Genome position (GRCh38, 1-based): chr6:52,042,866, C>T on the plus strand (G>A on the coding strand, the complement: PKHD1 is on the minus strand). VCF-style: chr6-52042866-C-T. GRCh37 (hg19) VCF-style: chr6-51907664-C-T.
Other names: c.3090G>A, p.Ala1030= (NM_170724.3).
Identifiers: ClinVar variation 695699 (VCV000695699.15), dbSNP rs557162970, ClinGen allele CA3853050.